The following is an entry in ClinVar:

NM_002691.4(POLD1):c.1815G>A (p.Ser605=)

Gene: POLD1 (DNA polymerase delta 1, catalytic subunit; plus strand). Cytogenetic location: 19q13.33.
Variant type: single nucleotide variant.
Coding change: c.1815G>A on transcript NM_002691.4 (MANE Select); coding-DNA position 1815, G replaced by A.
Protein change: p.Ser605=; no amino-acid change (serine 605 retained).
Molecular consequence: synonymous variant. On other transcripts: non-coding transcript variant (1).
Genome position (GRCh38, 1-based): chr19:50,408,824, G>A. VCF-style: chr19-50408824-G-A. GRCh37 (hg19) VCF-style: chr19-50912081-G-A.
Other names: c.1815G>A, p.Ser605= (NM_001256849.1); c.1893G>A, p.Ser631= (NM_001308632.1).
Identifiers: ClinVar variation 392041 (VCV000392041.26), dbSNP rs767011677, ClinGen allele CA9596288.

ClinVar aggregate classification (germline): Likely benign. Review status: criteria provided, multiple submitters, no conflicts (2 of 4 stars). 5 submissions from 5 submitters: Likely benign (5). Last evaluated 2025-12-30.

Conditions:
Hereditary cancer-predisposing syndrome. Also called: Neoplastic Syndromes, Hereditary; Hereditary neoplastic syndrome; Tumor predisposition; Hereditary Cancer Syndrome. Identifiers: Orphanet 140162, MedGen C0027672, MeSH D009386, MONDO:0015356.
POLD1-related polyposis and colorectal cancer syndrome (CRCS10). Also called: Colorectal cancer 10; Colorectal cancer, susceptibility to, 10; COLORECTAL CANCER, SUSCEPTIBILITY TO, ON CHROMOSOME 19q. Identifiers: Orphanet 220460, MedGen C2675481, MONDO:0012953, OMIM 612591.

Allele frequency attached by ClinVar (database versions not stated): gnomAD 0.00001; TOPMed 0.00001; gnomAD exomes 0.00004; ExAC 0.00006.
gnomAD v4.1: 29 of 1,613,840 alleles (0.0018%); highest among the groups gnomAD compares: Non-Finnish European, 0.002%; no homozygotes.

Submissions (5):

Labcorp Genetics (formerly Invitae), Labcorp
Classification: Likely benign for POLD1-related polyposis and colorectal cancer syndrome. Last evaluated: 2025-12-30. Review status: criteria provided, single submitter. Criteria: Invitae Variant Classification Sherloc (09022015). Collection method: clinical testing. Allele origin: germline.

CeGaT Center for Human Genetics Tuebingen
Classification: Likely benign. Last evaluated: 2025-08-01. Review status: criteria provided, single submitter. Criteria: CeGaT Center For Human Genetics Tuebingen Variant Classification Criteria Version 2. Collection method: clinical testing. Allele origin: germline. Affected: yes. Observed: 2 variant alleles.
Comment: POLD1: BP4, BP7

Blueprint Genetics
Classification: Likely benign. Last evaluated: 2024-09-09. Review status: criteria provided, single submitter. Criteria: ACMG Guidelines, 2015. Collection method: clinical testing. Allele origin: germline.

GeneDx
Classification: Likely benign. Last evaluated: 2021-04-14. Review status: criteria provided, single submitter. Criteria: GeneDx Variant Classification Process June 2021. Collection method: clinical testing. Allele origin: germline. Affected: yes.

Ambry Genetics
Classification: Likely benign for Hereditary cancer-predisposing syndrome. Last evaluated: 2016-02-26. Review status: criteria provided, single submitter. Criteria: Ambry Variant Classification Scheme 2023. Collection method: clinical testing. Allele origin: germline.